The following is an entry in ClinVar:

ClinVar aggregate classification (germline): Conflicting classifications of pathogenicity. Review status: criteria provided, conflicting classifications (1 of 4 stars). 7 submissions from 7 submitters: Likely pathogenic (4); Uncertain significance (2). 1 of the submissions does not count toward it. Last evaluated 2026-06-24.

Conditions:
Inborn genetic diseases. Identifiers: MedGen C0950123, MeSH D030342.
Isovaleryl-CoA dehydrogenase deficiency (IVA). Also called: Isovaleric acidemia; Classic Isovaleric Acidemia; ISOVALERIC ACID CoA DEHYDROGENASE DEFICIENCY; IVD DEFICIENCY. Identifiers: Orphanet 33, MedGen C0268575, MONDO:0009475, OMIM 243500.

Allele frequency attached by ClinVar (database versions not stated): ExAC 0.00002; gnomAD 0.00003; TOPMed 0.00005; ESP Exome Variant Server 0.00008.

Submissions (7):

GeneDx
Classification: Likely pathogenic. Last evaluated: 2026-06-24. Review status: criteria provided, single submitter. Criteria: GeneDx Variant Classification Process June 2021. Collection method: clinical testing. Allele origin: germline.
Comment: Not observed at significant frequency in large population cohorts (gnomAD); In silico analysis supports that this missense variant has a deleterious effect on protein structure/function; Also known as R284Q and R255Q; This variant is associated with the following publications: (PMID: 25087612, 32778825, 15486829, 21228398, 24059531)

Natera, Inc.
Classification: Likely pathogenic for Isovaleryl-coa dehydrogenase deficiency. Last evaluated: 2025-11-26. Review status: criteria provided, single submitter. Criteria: Natera Variant Classification Schema (03/2026). Collection method: clinical testing. Allele origin: germline.
Comment: The c.860G>A variant in IVD is a missense variant predicted to cause substitution of arginine to glutamine at amino acid 287. This variant is rare in the general population with a frequency below the threshold expected for the associated phenotype(s). This variant has been observed in one or more individuals affected with the associated recessive disease, as either homozygous or compound heterozygous with a second variant (PMID: 15486829, 24059531). Additionally, this variant has been observed to segregate in affected family members (PMID: 24059531). Computational prediction algorithms indicate this variant is likely to affect gene or protein function. Given the available evidence, this variant is classified as Likely Pathogenic.

Baylor Genetics
Classification: Likely pathogenic for Isovaleryl-CoA dehydrogenase deficiency. Last evaluated: 2024-03-15. Review status: criteria provided, single submitter. Criteria: ACMG Guidelines, 2015. Collection method: clinical testing. Allele origin: unknown.

Fulgent Genetics
Classification: Likely pathogenic for Isovaleryl-CoA dehydrogenase deficiency. Last evaluated: 2024-03-06. Review status: criteria provided, single submitter. Criteria: ACMG Guidelines, 2015. Collection method: clinical testing. Allele origin: germline.

Labcorp Genetics (formerly Invitae), Labcorp
Classification: Uncertain significance for Isovaleryl-CoA dehydrogenase deficiency. Last evaluated: 2022-08-22. Review status: criteria provided, single submitter. Criteria: Invitae Variant Classification Sherloc (09022015). Collection method: clinical testing. Allele origin: germline.
Comment: This sequence change replaces arginine, which is basic and polar, with glutamine, which is neutral and polar, at codon 287 of the IVD protein (p.Arg287Gln). This variant is present in population databases (rs373534546, gnomAD 0.008%). This missense change has been observed in individual(s) with a positive newborn screening result for IVD-related disease (PMID: 15486829). ClinVar contains an entry for this variant (Variation ID: 555453). Algorithms developed to predict the effect of missense changes on protein structure and function (SIFT, PolyPhen-2, Align-GVGD) all suggest that this variant is likely to be disruptive. In summary, the available evidence is currently insufficient to determine the role of this variant in disease. Therefore, it has been classified as a Variant of Uncertain Significance.

Ambry Genetics
Classification: Uncertain significance for Inborn genetic diseases. Last evaluated: 2021-05-20. Review status: criteria provided, single submitter. Criteria: Ambry Variant Classification Scheme 2023. Collection method: clinical testing. Allele origin: germline.

Counsyl
Classification: Uncertain significance for Isovaleryl-CoA dehydrogenase deficiency. Last evaluated: 2017-12-07. Review status: no assertion criteria provided. Collection method: clinical testing. Allele origin: unknown. Not counted in ClinVar's aggregate classification.

Literature cited by the submitters: PubMed 15486829 (cited by 3 submitters); PubMed 24059531 (cited by Natera, Inc. and Counsyl).

NM_002225.5(IVD):c.851G>A (p.Arg284Gln)

Gene: IVD (isovaleryl-CoA dehydrogenase; plus strand). Cytogenetic location: 15q15.1.
Variant type: single nucleotide variant.
Coding change: c.851G>A on transcript NM_002225.5 (MANE Select); coding-DNA position 851, G replaced by A.
Protein change: p.Arg284Gln; replaces arginine 284 with glutamine.
Molecular consequence: missense variant. On other transcripts: non-coding transcript variant (1).
Genome position (GRCh38, 1-based): chr15:40,414,955, G>A. VCF-style: chr15-40414955-G-A. GRCh37 (hg19) VCF-style: chr15-40707154-G-A.
Other names: c.761G>A, p.Arg254Gln (NM_001159508.3); c.803G>A, p.Arg268Gln (NM_001354597.3); c.851G>A, p.Arg284Gln (NM_001354598.3, NM_001354601.3); c.938G>A, p.Arg313Gln (NM_001354599.3, NM_001354600.3); short protein forms R313Q, R284Q, R254Q, R268Q.
Identifiers: ClinVar variation 555453 (VCV000555453.14), dbSNP rs373534546, ClinGen allele CA7480763.